The following is an entry in ClinVar:

NM_000051.4(ATM):c.7279C>T (p.Leu2427Phe)

Genes: ATM (ATM serine/threonine kinase; plus strand), C11orf65 (chromosome 11 open reading frame 65; minus strand). Cytogenetic location: 11q22.3.
Variant type: single nucleotide variant.
Coding change: c.7279C>T on transcript NM_000051.4 (MANE Select); coding-DNA position 7279, C replaced by T.
Protein change: p.Leu2427Phe; replaces leucine 2427 with phenylalanine.
Molecular consequence: missense variant. On other transcripts: intron variant (2).
Genome position (GRCh38, 1-based): chr11:108,329,210, C>T. VCF-style: chr11-108329210-C-T. GRCh37 (hg19) VCF-style: chr11-108199937-C-T.
Other names: c.7279C>T, p.Leu2427Phe (NM_001351834.2); c.641-20139G>A (NM_001330368.2); c.*38+6010G>A (NM_001351110.2); short protein forms L2427F.
Identifiers: ClinVar variation 1758040 (VCV001758040.2), dbSNP rs2547250660, ClinGen allele CA382559783.

ClinVar aggregate classification (germline): Uncertain significance (1 of 4 stars; one submission).

Conditions:
Hereditary cancer-predisposing syndrome. Also called: Hereditary neoplastic syndrome; Neoplastic Syndromes, Hereditary; Tumor predisposition; Hereditary Cancer Syndrome. Identifiers: Orphanet 140162, MedGen C0027672, MeSH D009386, MONDO:0015356.

Submission:

Ambry Genetics
Classification: Uncertain significance for Hereditary cancer-predisposing syndrome. Last evaluated: 2021-06-03. Review status: criteria provided, single submitter. Criteria: Ambry Variant Classification Scheme 2023. Collection method: clinical testing. Allele origin: germline.
Comment: The p.L2427F variant (also known as c.7279C>T), located in coding exon 48 of the ATM gene, results from a C to T substitution at nucleotide position 7279. The leucine at codon 2427 is replaced by phenylalanine, an amino acid with highly similar properties. This amino acid position is well conserved in available vertebrate species. In addition, this alteration is predicted to be tolerated by in silico analysis. Since supporting evidence is limited at this time, the clinical significance of this alteration remains unclear.